The following is an entry in ClinVar:

ClinVar aggregate classification (germline): Pathogenic. Review status: criteria provided, multiple submitters, no conflicts (2 of 4 stars). 5 submissions from 5 submitters: Pathogenic (4). 1 of the submissions does not count toward it. Last evaluated 2025-07-25.

Conditions:
PAX2-Related Disorder. Also called: PAX2-related disorders. Identifiers: MedGen CN381309.
Focal segmental glomerulosclerosis 7 (FSGS7). Identifiers: Orphanet 656, MedGen C4014925, MONDO:0014451, OMIM 616002.
Renal coloboma syndrome (PAPRS). Also called: COLOBOMA OF OPTIC NERVE WITH RENAL DISEASE; PAPILLORENAL SYNDROME WITH MILD OCULAR ABNORMALITIES; PAPILLORENAL SYNDROME; RENAL-COLOBOMA SYNDROME WITH MACULAR ABNORMALITIES; CONGENITAL ANOMALIES OF THE KIDNEY AND URINARY TRACT WITH OR WITHOUT OCULAR ABNORMALITIES; CAKUT WITH OR WITHOUT OCULAR ABNORMALITIES. Identifiers: Orphanet 1475, MedGen C1852759, MONDO:0007352, OMIM 120330.

Submissions (5):

GeneDx
Classification: Pathogenic. Last evaluated: 2025-07-25. Review status: criteria provided, single submitter. Criteria: GeneDx Variant Classification Process June 2021. Collection method: clinical testing. Allele origin: germline. Affected: yes.
Comment: Not observed at significant frequency in large population cohorts (gnomAD); Nonsense variant predicted to result in protein truncation or nonsense mediated decay in a gene for which loss of function is a known mechanism of disease; This variant is associated with the following publications: (PMID: 24676634, 18609495, 31308072, 17541647, 32203253, Kim2023[Preprint], 29333833)

Labcorp Genetics (formerly Invitae), Labcorp
Classification: Pathogenic for Renal coloboma syndrome; Focal segmental glomerulosclerosis 7. Last evaluated: 2024-04-13. Review status: criteria provided, single submitter. Criteria: Invitae Variant Classification Sherloc (09022015). Collection method: clinical testing. Allele origin: germline.
Comment: This sequence change creates a premature translational stop signal (p.Arg104*) in the PAX2 gene. It is expected to result in an absent or disrupted protein product. Loss-of-function variants in PAX2 are known to be pathogenic (PMID: 11461952, 24676634, 35444690). This variant is not present in population databases (gnomAD no frequency). This premature translational stop signal has been observed in individuals with PAX2-related conditions (PMID: 24676634, 32203253). It has also been observed to segregate with disease in related individuals. ClinVar contains an entry for this variant (Variation ID: 1301902). For these reasons, this variant has been classified as Pathogenic.

Laboratorio de Genetica e Diagnostico Molecular, Hospital Israelita Albert Einstein
Classification: Pathogenic for Renal coloboma syndrome. Last evaluated: 2021-12-08. Review status: criteria provided, single submitter. Criteria: ACMG Guidelines, 2015. Collection method: clinical testing. Allele origin: germline. Affected: yes.
Comment: ACMG classification criteria: PVS1 very strong, PS4 moderate, PM2 moderate, PM6 moderate, PP1 supporting

Rady Children's Institute for Genomic Medicine, Rady Children's Hospital San Diego
Classification: Pathogenic for PAX2-related disorder. Last evaluated: 2020-10-12. Review status: criteria provided, single submitter. Criteria: ACMG Guidelines, 2015. Collection method: clinical testing. Allele origin: germline. Affected: yes.
Comment: This nonsense variant found in exon 3 of 11 is predicted to result in loss of normal protein function through either protein truncation or nonsense-mediated mRNA decay (NMD). This variant has been previously reported as a heterozygous change in patients with renal and ocular abnormalities (PMID: 17541647, 18609495, 29333833, 24676634). It is absent from the gnomAD population database and thus is presumed to be rare. Analysis of the parental samples was negative for the variant, indicating this variant likely occurred as a de novo event. Based on the available evidence, the c.310C>T (p.Arg104Ter) variant is classified as Pathogenic.

Gharavi Laboratory, Columbia University
Classification: Pathogenic for Papillorenal syndrome. Last evaluated: 2024-11-05. Review status: no assertion criteria provided. Criteria: ACMG Guidelines, 2015. Collection method: case-control. Allele origin: germline. Affected: yes. Not counted in ClinVar's aggregate classification.

Literature cited by the submitters: PubMed 11461952 (cited by Labcorp Genetics (formerly Invitae), Labcorp); PubMed 24676634 (cited by Labcorp Genetics (formerly Invitae), Labcorp); PubMed 35444690 (cited by Labcorp Genetics (formerly Invitae), Labcorp); PubMed 32203253 (cited by Labcorp Genetics (formerly Invitae), Labcorp).

NM_000278.5(PAX2):c.310C>T (p.Arg104Ter)

Gene: PAX2 (paired box 2; plus strand). Cytogenetic location: 10q24.31.
Variant type: single nucleotide variant.
Coding change: c.310C>T on transcript NM_000278.5 (MANE Select); coding-DNA position 310, C replaced by T.
Protein change: p.Arg104Ter; replaces arginine 104 with a stop codon.
Molecular consequence: nonsense.
Genome position (GRCh38, 1-based): chr10:100,750,791, C>T. VCF-style: chr10-100750791-C-T. GRCh37 (hg19) VCF-style: chr10-102510548-C-T.
Other names: c.403C>T, p.Arg135Ter (NM_001304569.2); c.310C>T, p.Arg104Ter (NM_003987.5, NM_003988.5, NM_003989.5 and 1 more transcripts); c.310C>T (NM_003990.3); short protein forms R104*, R135*.
Identifiers: ClinVar variation 1301902 (VCV001301902.7), dbSNP rs922533851, ClinGen allele CA378258000.